The following is an entry in ClinVar:

NM_004341.5(CAD):c.1547G>A (p.Arg516Gln)

Gene: CAD (carbamoyl-phosphate synthetase 2, aspartate transcarbamylase, and dihydroorotase; plus strand). Cytogenetic location: 2p23.3.
Variant type: single nucleotide variant.
Coding change: c.1547G>A on transcript NM_004341.5 (MANE Select); coding-DNA position 1547, G replaced by A.
Protein change: p.Arg516Gln; replaces arginine 516 with glutamine.
Molecular consequence: missense variant.
Genome position (GRCh38, 1-based): chr2:27,225,170, G>A. VCF-style: chr2-27225170-G-A. GRCh37 (hg19) VCF-style: chr2-27448038-G-A.
Other names: c.1547G>A, p.Arg516Gln (NM_001306079.2); short protein forms R516Q.
Identifiers: ClinVar variation 1434668 (VCV001434668.4), dbSNP rs772639350, ClinGen allele CA1572747.

ClinVar aggregate classification (germline): Conflicting classifications of pathogenicity. Review status: criteria provided, conflicting classifications (1 of 4 stars). 2 submissions from 2 submitters: Uncertain significance (1); Likely benign (1). Last evaluated 2022-08-23.

Allele frequency attached by ClinVar (database versions not stated): gnomAD 0.00002; TOPMed 0.00004; gnomAD exomes 0.00005 and 0.00020; ExAC 0.00015.
gnomAD v4.1: 77 of 1,614,066 alleles (0.0048%); highest among the groups gnomAD compares: Admixed American, 0.088%; no homozygotes.

Submissions (2):

Labcorp Genetics (formerly Invitae), Labcorp
Classification: Uncertain significance. Last evaluated: 2022-08-23. Review status: criteria provided, single submitter. Criteria: Invitae Variant Classification Sherloc (09022015). Collection method: clinical testing. Allele origin: germline.
Comment: This sequence change replaces arginine, which is basic and polar, with glutamine, which is neutral and polar, at codon 516 of the CAD protein (p.Arg516Gln). This variant is present in population databases (rs772639350, gnomAD 0.1%). This variant has not been reported in the literature in individuals affected with CAD-related conditions. ClinVar contains an entry for this variant (Variation ID: 1434668). Algorithms developed to predict the effect of missense changes on protein structure and function (SIFT, PolyPhen-2, Align-GVGD) all suggest that this variant is likely to be tolerated. In summary, the available evidence is currently insufficient to determine the role of this variant in disease. Therefore, it has been classified as a Variant of Uncertain Significance.

Women's Health and Genetics/Laboratory Corporation of America, LabCorp
Classification: Likely benign. Last evaluated: 2022-05-12. Review status: criteria provided, single submitter. Criteria: LabCorp Variant Classification Summary - May 2015. Collection method: clinical testing. Allele origin: germline.
Comment: Variant summary: CAD c.1547G>A (p.Arg516Gln) results in a conservative amino acid change located in the Carbamoyl-phosphate synthetase large subunit-like, ATP-binding domain (IPR005479) of the encoded protein sequence. Three of five in-silico tools predict a benign effect of the variant on protein function. The variant allele was found at a frequency of 0.0002 in 251386 control chromosomes, predominantly at a frequency of 0.0014 within the Latino subpopulation in the gnomAD database. The observed variant frequency within Latino control individuals in the gnomAD database is approximately 1.3 fold of the estimated maximal expected allele frequency for a pathogenic variant in CAD causing Early Infantile Epileptic Encephalopathy, 50 phenotype (0.0011), strongly suggesting that the variant is a benign polymorphism found primarily in populations of Latino origin. To our knowledge, no occurrence of c.1547G>A in individuals affected with Early Infantile Epileptic Encephalopathy, 50 and no experimental evidence demonstrating its impact on protein function have been reported. One clinical diagnostic laboratory has submitted clinical-significance assessments for this variant to ClinVar after 2014 without evidence for independent evaluation and classified the variant as uncertain significance. Based on the evidence outlined above, the variant was classified as likely benign.